The following is an entry in ClinVar:

ClinVar aggregate classification (germline): Uncertain significance. Review status: criteria provided, multiple submitters, no conflicts (2 of 4 stars). 2 submissions from 2 submitters: Uncertain significance (2). Last evaluated 2024-01-22.

Conditions:
Inborn genetic diseases. Identifiers: MedGen C0950123, MeSH D030342.

Allele frequency attached by ClinVar (database versions not stated): TOPMed 0.00006; gnomAD 0.00001.
gnomAD v4.1: 2 of 1,613,976 alleles (0.00012%); highest among the groups gnomAD compares: African/African-American, 0.0013%; no homozygotes.

Submissions (2):

Ambry Genetics
Classification: Uncertain significance for Inborn genetic diseases. Last evaluated: 2024-01-22. Review status: criteria provided, single submitter. Criteria: Ambry Variant Classification Scheme 2023. Collection method: clinical testing. Allele origin: germline.

Labcorp Genetics (formerly Invitae), Labcorp
Classification: Uncertain significance. Last evaluated: 2021-09-17. Review status: criteria provided, single submitter. Criteria: Invitae Variant Classification Sherloc (09022015). Collection method: clinical testing. Allele origin: germline.
Comment: This sequence change replaces threonine with alanine at codon 1292 of the TTC37 protein (p.Thr1292Ala). The threonine residue is weakly conserved and there is a small physicochemical difference between threonine and alanine. This variant is not present in population databases (ExAC no frequency). This variant has not been reported in the literature in individuals affected with TTC37-related conditions. Algorithms developed to predict the effect of missense changes on protein structure and function output the following: SIFT: "Tolerated"; PolyPhen-2: "Benign"; Align-GVGD: "Class C0". The alanine amino acid residue is found in multiple mammalian species, which suggests that this missense change does not adversely affect protein function. In summary, the available evidence is currently insufficient to determine the role of this variant in disease. Therefore, it has been classified as a Variant of Uncertain Significance.

NM_014639.4(SKIC3):c.3874A>G (p.Thr1292Ala)

Gene: SKIC3 (SKI3 subunit of superkiller complex; minus strand). Cytogenetic location: 5q15.
Variant type: single nucleotide variant.
Coding change: c.3874A>G on transcript NM_014639.4 (MANE Select); coding-DNA position 3874, A replaced by G.
Protein change: p.Thr1292Ala; replaces threonine 1292 with alanine.
Molecular consequence: missense variant.
Genome position (GRCh38, 1-based): chr5:95,490,965, T>C on the plus strand (A>G on the coding strand, the complement: SKIC3 is on the minus strand). VCF-style: chr5-95490965-T-C. GRCh37 (hg19) VCF-style: chr5-94826669-T-C.
Other names: c.3874A>G (NM_014639.3); short protein forms T1292A.
Identifiers: ClinVar variation 1436679 (VCV001436679.6), dbSNP rs898180794, ClinGen allele CA122827883.
Genomic context (GRCh38, chr5:95,490,965, plus strand): 5'-TACTTGAAGCAGAAACAGCAGATAACAGTGCCAAGTATAAATCTATCCTCTTTGGCTGAG[T>C]GTTGTTCACTAAGGCCAGTTTATCATCAGCGTGACAGGCTGCCATTAGCCCAGCCCAGAT-3'
Protein context (NP_055454.1, residues 1282-1302): ADDKLALVNN[Thr1292Ala]QPKRIDLYLA